The following is an entry in ClinVar:

NM_004859.4(CLTC):c.4492C>T (p.Arg1498Cys)

Genes: CLTC (clathrin heavy chain; plus strand), LOC125177523 (Sharpr-MPRA regulatory region 12460; plus strand). Cytogenetic location: 17q23.1.
Variant type: single nucleotide variant.
Coding change: c.4492C>T on transcript NM_004859.4 (MANE Select); coding-DNA position 4492, C replaced by T.
Protein change: p.Arg1498Cys; replaces arginine 1498 with cysteine.
Molecular consequence: missense variant.
Genome position (GRCh38, 1-based): chr17:59,685,113, C>T. VCF-style: chr17-59685113-C-T. GRCh37 (hg19) VCF-style: chr17-57762474-C-T.
Other names: c.4504C>T, p.Arg1502Cys (NM_001288653.2); short protein forms R1498C, R1502C.
Identifiers: ClinVar variation 2978403 (VCV002978403.3), dbSNP rs749736750, ClinGen allele CA8681751.

ClinVar aggregate classification (germline): Uncertain significance (1 of 4 stars; one submission).

Allele frequency attached by ClinVar (database versions not stated): gnomAD 0.00001; ExAC 0.00002; TOPMed 0.00002.
gnomAD v4.1: 13 of 1,608,630 alleles (0.00081%); highest among the groups gnomAD compares: African/African-American, 0.0013%; no homozygotes.

Submission:

Labcorp Genetics (formerly Invitae), Labcorp
Classification: Uncertain significance. Last evaluated: 2023-10-29. Review status: criteria provided, single submitter. Criteria: Invitae Variant Classification Sherloc (09022015). Collection method: clinical testing. Allele origin: germline.
Comment: This sequence change replaces arginine, which is basic and polar, with cysteine, which is neutral and slightly polar, at codon 1502 of the CLTC protein (p.Arg1502Cys). The frequency data for this variant in the population databases is considered unreliable, as metrics indicate poor data quality at this position in the gnomAD database. This missense change has been observed in individual(s) with clinical features CLTC-related conditions (PMID: 33004838). This variant is also known as p.Arg1499Cys. Advanced modeling of protein sequence and biophysical properties (such as structural, functional, and spatial information, amino acid conservation, physicochemical variation, residue mobility, and thermodynamic stability) performed at Invitae indicates that this missense variant is not expected to disrupt CLTC protein function with a negative predictive value of 80%. In summary, the available evidence is currently insufficient to determine the role of this variant in disease. Therefore, it has been classified as a Variant of Uncertain Significance.

Literature cited by the submitters: PubMed 33004838.